The following is an entry in ClinVar:

ClinVar aggregate classification (germline): Benign (1 of 4 stars; one submission).

Conditions:
Leigh syndrome (NULS). Also called: Leigh's necrotizing encephalopathy; Leigh's disease; Leigh Syndrome (mtDNA deletion); Leigh Disease; Subacute necrotizing encephalopathy; Necrotizing encephalopathy infantile subacute of Leigh. Identifiers: Orphanet 506, MedGen C2931891, MONDO:0009723, OMIM 256000.

Submission:

Wong Mito Lab, Molecular and Human Genetics, Baylor College of Medicine
Classification: Benign for Leigh syndrome. Last evaluated: 2019-10-17. Review status: criteria provided, single submitter. Criteria: Modified ACMG Guidelines (Unpublished). Collection method: clinical testing. Allele origin: germline.
Comment: The NC_012920.1:m.5466A>G (YP_003024027.1:p.Thr333Ala) variant in MTND2 gene is interpretated to be a Benign variant based on the modified ACMG guidelines (unpublished). This variant meets the following evidence codes: BS1, BS2, BP4

NC_012920.1(MT-ND2):m.5466A>G

Gene: MT-ND2 (mitochondrially encoded NADH dehydrogenase 2; plus strand).
Variant type: single nucleotide variant.
Genome position: chrM-5466-A-G.
Identifiers: ClinVar variation 692593 (VCV000692593.1), dbSNP rs1603219973, ClinGen allele CA414780461.